The following is an entry in ClinVar:

NM_020754.4(ARHGAP31):c.1807G>A (p.Glu603Lys)

Gene: ARHGAP31 (Rho GTPase activating protein 31; plus strand). Cytogenetic location: 3q13.33.
Variant type: single nucleotide variant.
Coding change: c.1807G>A on transcript NM_020754.4 (MANE Select); coding-DNA position 1807, G replaced by A.
Protein change: p.Glu603Lys; replaces glutamic acid 603 with lysine.
Molecular consequence: missense variant.
Genome position (GRCh38, 1-based): chr3:119,409,657, G>A. VCF-style: chr3-119409657-G-A. GRCh37 (hg19) VCF-style: chr3-119128504-G-A.
Other names: short protein forms E603K.
Identifiers: ClinVar variation 2585092 (VCV002585092.1), dbSNP rs1489263621, ClinGen allele CA354044573.

ClinVar aggregate classification (germline): Uncertain significance (1 of 4 stars; one submission).

Conditions:
Adams-Oliver syndrome 1 (AOS1). Also called: ABSENCE DEFECT OF LIMBS, SCALP, AND SKULL; CONGENITAL SCALP DEFECTS WITH DISTAL LIMB REDUCTION ANOMALIES; APLASIA CUTIS CONGENITA WITH TERMINAL TRANSVERSE LIMB DEFECTS. Identifiers: Orphanet 974, MedGen C4551482, MONDO:0024506, OMIM 100300.

Allele frequency attached by ClinVar (database versions not stated): gnomAD exomes 0.00001.

Submission:

Neuberg Centre For Genomic Medicine, NCGM
Classification: Uncertain significance for Adams-Oliver syndrome 1. Review status: criteria provided, single submitter. Criteria: ACMG Guidelines, 2015. Collection method: clinical testing. Allele origin: germline. Inheritance: Autosomal dominant inheritance. Affected: yes.
Comment: The missense variant c.1807G>A (p.Glu603Lys) in ARHGAP31 gene has not been reported previously as a pathogenic variant nor as a benign variant, to our knowledge. The p.Glu603Lys variant is reported with the allele frequency (0.0008%) in the gnomAD and novel in 1000 genome database. The amino acid Glu at position 603 is changed to a Lys changing protein sequence and it might alter its composition and physico-chemical properties. The amino acid change p.Glu603Lys in ARHGAP31 is predicted as conserved by GERP++ and PhyloP across 100 vertebrates. For these reasons, this variant has been classified as Variant of Uncertain Significance (VUS).